The following is an entry in ClinVar:

ClinVar aggregate classification (germline): Uncertain significance (1 of 4 stars; one submission).

Conditions:
Familial sleep-related hypermotor epilepsy. Also called: Autosomal Dominant Sleep-Related Hypermotor (Hyperkinetic) Epilepsy. Identifiers: Orphanet 98784, MedGen C3696898, MONDO:0000030.

Allele frequency attached by ClinVar (database versions not stated): gnomAD exomes 0.00002 and 0.00001; TOPMed below 0.00001; ExAC 0.00001; gnomAD 0.00002 and 0.00001.

Submission:

Labcorp Genetics (formerly Invitae), Labcorp
Classification: Uncertain significance. Last evaluated: 2024-12-04. Review status: criteria provided, single submitter. Criteria: Invitae Variant Classification Sherloc (09022015). Collection method: clinical testing. Allele origin: germline.
Comment: This sequence change replaces methionine, which is neutral and non-polar, with valine, which is neutral and non-polar, at codon 596 of the CHRNA4 protein (p.Met596Val). This variant is present in population databases (rs200698041, gnomAD 0.0009%). This variant has not been reported in the literature in individuals affected with CHRNA4-related conditions. ClinVar contains an entry for this variant (Variation ID: 848534). Invitae Evidence Modeling of protein sequence and biophysical properties (such as structural, functional, and spatial information, amino acid conservation, physicochemical variation, residue mobility, and thermodynamic stability) indicates that this missense variant is not expected to disrupt CHRNA4 protein function with a negative predictive value of 80%. In summary, the available evidence is currently insufficient to determine the role of this variant in disease. Therefore, it has been classified as a Variant of Uncertain Significance.

NM_000744.7(CHRNA4):c.1786A>G (p.Met596Val)

Gene: CHRNA4 (cholinergic receptor nicotinic alpha 4 subunit; minus strand). Cytogenetic location: 20q13.33.
Variant type: single nucleotide variant.
Coding change: c.1786A>G on transcript NM_000744.7 (MANE Select); coding-DNA position 1786, A replaced by G.
Protein change: p.Met596Val; replaces methionine 596 with valine.
Molecular consequence: missense variant. On other transcripts: non-coding transcript variant (1).
Genome position (GRCh38, 1-based): chr20:63,346,836, T>C on the plus strand (A>G on the coding strand, the complement: CHRNA4 is on the minus strand). VCF-style: chr20-63346836-T-C. GRCh37 (hg19) VCF-style: chr20-61978188-T-C.
Other names: c.1258A>G, p.Met420Val (NM_001256573.2); short protein forms M596V, M420V.
Identifiers: ClinVar variation 848534 (VCV000848534.9), dbSNP rs200698041, ClinGen allele CA9957494.